The following is an entry in ClinVar:

NM_001303.4(COX10):c.931G>A (p.Ala311Thr)

Gene: COX10 (cytochrome c oxidase assembly factor heme A:farnesyltransferase COX10; plus strand). Cytogenetic location: 17p12.
Variant type: single nucleotide variant.
Coding change: c.931G>A on transcript NM_001303.4 (MANE Select); coding-DNA position 931, G replaced by A.
Protein change: p.Ala311Thr; replaces alanine 311 with threonine.
Molecular consequence: missense variant.
Genome position (GRCh38, 1-based): chr17:14,206,812, G>A. VCF-style: chr17-14206812-G-A. GRCh37 (hg19) VCF-style: chr17-14110129-G-A.
Other names: c.931G>A (NM_001303.3); short protein forms A311T.
Identifiers: ClinVar variation 3581671 (VCV003581671.2).
Genomic context (GRCh38, chr17:14,206,812, plus strand): 5'-TGGAAATCTCTGGTGATGACTGCCTTTGTCTCCCTCTCCTTCCCTGACCCCCGCACAGGC[G>A]CATTTCTCCTGGGAGGAATCCTCTACTCCTGGCAGTTTCCTCATTTCAACGCCCTGAGCT-3'
Protein context (NP_001294.2, residues 301-321): TAATGSLDAG[Ala311Thr]FLLGGILYSW

ClinVar aggregate classification (germline): Uncertain significance. Review status: criteria provided, multiple submitters, no conflicts (2 of 4 stars). 2 submissions from 2 submitters: Uncertain significance (2). Last evaluated 2024-09-16.

Conditions:
Mitochondrial complex IV deficiency, nuclear type 3. Also called: Mitochondrial complex 4 deficiency, nuclear type 3. Identifiers: MedGen C5436682, MONDO:0033635, OMIM 619046.

gnomAD v4.1: 33 of 1,614,112 alleles (0.002%); highest among the groups gnomAD compares: East Asian, 0.047%; no homozygotes.

Submissions (2):

GeneDx
Classification: Uncertain significance. Last evaluated: 2024-09-16. Review status: criteria provided, single submitter. Criteria: GeneDx Variant Classification Process June 2021. Collection method: clinical testing. Allele origin: germline. Affected: yes.
Comment: In silico analysis supports that this missense variant has a deleterious effect on protein structure/function; Has not been previously published as pathogenic or benign to our knowledge

Fulgent Genetics
Classification: Uncertain significance for Mitochondrial complex IV deficiency, nuclear type 3. Last evaluated: 2024-06-03. Review status: criteria provided, single submitter. Criteria: ACMG Guidelines, 2015. Collection method: clinical testing. Allele origin: germline.